The following is an entry in ClinVar:

ClinVar aggregate classification (germline): Uncertain significance (1 of 4 stars; one submission).

Conditions:
Cerebral creatine deficiency syndrome. Also called: Creatine deficiency syndromes. Identifiers: Orphanet 79172, MedGen C5244016, MONDO:0000456.

Allele frequency attached by ClinVar (database versions not stated): gnomAD exomes 0.00001.
gnomAD v4.1: 10 of 1,613,478 alleles (0.00062%); highest among the groups gnomAD compares: South Asian, 0.0011%; no homozygotes.

Submission:

Labcorp Genetics (formerly Invitae), Labcorp
Classification: Uncertain significance for Cerebral creatine deficiency syndrome. Last evaluated: 2022-05-20. Review status: criteria provided, single submitter. Criteria: Invitae Variant Classification Sherloc (09022015). Collection method: clinical testing. Allele origin: germline.
Comment: This sequence change replaces leucine, which is neutral and non-polar, with arginine, which is basic and polar, at codon 160 of the GAMT protein (p.Leu160Arg). This variant is not present in population databases (gnomAD no frequency). This variant has not been reported in the literature in individuals affected with GAMT-related conditions. Algorithms developed to predict the effect of missense changes on protein structure and function are either unavailable or do not agree on the potential impact of this missense change (SIFT: "Deleterious"; PolyPhen-2: "Probably Damaging"; Align-GVGD: "Class C0"). In summary, the available evidence is currently insufficient to determine the role of this variant in disease. Therefore, it has been classified as a Variant of Uncertain Significance.

NM_000156.6(GAMT):c.479T>G (p.Leu160Arg)

Gene: GAMT (guanidinoacetate N-methyltransferase; minus strand). Cytogenetic location: 19p13.3.
Variant type: single nucleotide variant.
Coding change: c.479T>G on transcript NM_000156.6 (MANE Select); coding-DNA position 479, T replaced by G.
Protein change: p.Leu160Arg; replaces leucine 160 with arginine.
Molecular consequence: missense variant.
Genome position (GRCh38, 1-based): chr19:1,399,007, A>C on the plus strand (T>G on the coding strand, the complement: GAMT is on the minus strand). VCF-style: chr19-1399007-A-C. GRCh37 (hg19) VCF-style: chr19-1399006-A-C.
Other names: c.479T>G, p.Leu160Arg (NM_138924.3); short protein forms L160R.
Identifiers: ClinVar variation 2089224 (VCV002089224.4), dbSNP rs2512224417, ClinGen allele CA402994675.